The following is an entry in ClinVar:

ClinVar aggregate classification (germline): Uncertain significance. Review status: criteria provided, multiple submitters, no conflicts (2 of 4 stars). 2 submissions from 2 submitters: Uncertain significance (2). Last evaluated 2025-09-10.

Conditions:
Hereditary cancer-predisposing syndrome. Also called: Tumor predisposition; Hereditary Cancer Syndrome; Hereditary neoplastic syndrome; Neoplastic Syndromes, Hereditary. Identifiers: Orphanet 140162, MedGen C0027672, MeSH D009386, MONDO:0015356.
Familial meningioma. Also called: Meningioma, familial, susceptibility to. Identifiers: Orphanet 263662, MedGen C3551915, MONDO:0011789, OMIM 607174.

Allele frequency attached by ClinVar (database versions not stated): gnomAD exomes below 0.00001.
gnomAD v4.1: 1 of 1,613,754 alleles (0.000062%); highest among the groups gnomAD compares: Non-Finnish European, 0.000085%; no homozygotes.

Submissions (2):

Ambry Genetics
Classification: Uncertain significance for Hereditary cancer-predisposing syndrome. Last evaluated: 2025-09-10. Review status: criteria provided, single submitter. Criteria: Ambry Variant Classification Scheme 2023. Collection method: clinical testing. Allele origin: germline.
Comment: The p.Y142F variant (also known as c.425A>T), located in coding exon 6 of the SMARCE1 gene, results from an A to T substitution at nucleotide position 425. The tyrosine at codon 142 is replaced by phenylalanine, an amino acid with highly similar properties. This amino acid position is conserved. In addition, this alteration is predicted to be tolerated by in silico analysis. Based on the available evidence, the clinical significance of this variant remains unclear.

Labcorp Genetics (formerly Invitae), Labcorp
Classification: Uncertain significance for Familial meningioma. Last evaluated: 2024-01-26. Review status: criteria provided, single submitter. Criteria: Invitae Variant Classification Sherloc (09022015). Collection method: clinical testing. Allele origin: germline.
Comment: This sequence change replaces tyrosine, which is neutral and polar, with phenylalanine, which is neutral and non-polar, at codon 142 of the SMARCE1 protein (p.Tyr142Phe). This variant is not present in population databases (gnomAD no frequency). This variant has not been reported in the literature in individuals affected with SMARCE1-related conditions. ClinVar contains an entry for this variant (Variation ID: 1482509). Advanced modeling of protein sequence and biophysical properties (such as structural, functional, and spatial information, amino acid conservation, physicochemical variation, residue mobility, and thermodynamic stability) performed at Invitae indicates that this missense variant is not expected to disrupt SMARCE1 protein function with a negative predictive value of 80%. In summary, the available evidence is currently insufficient to determine the role of this variant in disease. Therefore, it has been classified as a Variant of Uncertain Significance.

NM_003079.5(SMARCE1):c.425A>T (p.Tyr142Phe)

Gene: SMARCE1 (SWI/SNF related BAF chromatin remodeling complex subunit E1; minus strand). Cytogenetic location: 17q21.2.
Variant type: single nucleotide variant.
Coding change: c.425A>T on transcript NM_003079.5 (MANE Select); coding-DNA position 425, A replaced by T.
Protein change: p.Tyr142Phe; replaces tyrosine 142 with phenylalanine.
Molecular consequence: missense variant.
Genome position (GRCh38, 1-based): chr17:40,636,047, T>A on the plus strand (A>T on the coding strand, the complement: SMARCE1 is on the minus strand). VCF-style: chr17-40636047-T-A. GRCh37 (hg19) VCF-style: chr17-38792299-T-A.
Other names: c.425A>T (NM_003079.4); short protein forms Y142F.
Identifiers: ClinVar variation 1482509 (VCV001482509.7), dbSNP rs1567847087, ClinGen allele CA399366601.